The following is an entry in ClinVar:

ClinVar aggregate classification (germline): Pathogenic (1 of 4 stars; one submission).

Conditions:
Progressive myoclonic epilepsy. Also called: Myoclonus epilepsy; Familial progressive myoclonic epilepsy; Progressive myoclonus epilepsy; Myoclonic Epilepsies, Progressive. Identifiers: Orphanet 308, Orphanet 98261, MedGen C0751778, MONDO:0020074.

gnomAD v4.1: 1 of 1,613,268 alleles (0.000062%); highest among the groups gnomAD compares: Non-Finnish European, 0.000085%; no homozygotes.

Submission:

Labcorp Genetics (formerly Invitae), Labcorp
Classification: Pathogenic for Progressive myoclonic epilepsy. Last evaluated: 2024-06-29. Review status: criteria provided, single submitter. Criteria: Invitae Variant Classification Sherloc (09022015). Collection method: clinical testing. Allele origin: germline.
Comment: This sequence change creates a premature translational stop signal (p.Gln81*) in the GOSR2 gene. It is expected to result in an absent or disrupted protein product. Loss-of-function variants in GOSR2 are known to be pathogenic (PMID: 21549339). This variant is not present in population databases (gnomAD no frequency). This variant has not been reported in the literature in individuals affected with GOSR2-related conditions. For these reasons, this variant has been classified as Pathogenic.

Literature cited by the submitters: PubMed 21549339.

NM_004287.5(GOSR2):c.241C>T (p.Gln81Ter)

Genes: GOSR2 (golgi SNAP receptor complex member 2; plus strand), LRRC37A2 (leucine rich repeat containing 37 member A2), LOC126862578 (BRD4-independent group 4 enhancer GRCh37_chr17:45008344-45009543; plus strand). Cytogenetic location: 17q21.32.
Variant type: single nucleotide variant.
Coding change: c.241C>T on transcript NM_004287.5 (MANE Select); coding-DNA position 241, C replaced by T.
Protein change: p.Gln81Ter; replaces glutamine 81 with a stop codon.
Molecular consequence: nonsense. On other transcripts: non-coding transcript variant (3).
Genome position (GRCh38, 1-based): chr17:46,932,104, C>T. VCF-style: chr17-46932104-C-T. GRCh37 (hg19) VCF-style: chr17-45009470-C-T.
Other names: c.241C>T, p.Gln81Ter (NM_001012511.3, NM_001321133.2, NM_001330252.2 and 1 more transcripts); c.187C>T, p.Gln63Ter (NM_001321134.2, NM_001363851.2); c.238C>T, p.Gln80Ter (NM_001353114.2, NM_001353115.2, NM_001353116.2); short protein forms Q81*, Q63*, Q80*.
Identifiers: ClinVar variation 3683794 (VCV003683794.2).